The following is an entry in ClinVar:

NM_144573.4(NEXN):c.2005C>T (p.Leu669Phe)

Gene: NEXN (nexilin F-actin binding protein; plus strand). Cytogenetic location: 1p31.1.
Variant type: single nucleotide variant.
Coding change: c.2005C>T on transcript NM_144573.4 (MANE Select); coding-DNA position 2005, C replaced by T.
Protein change: p.Leu669Phe; replaces leucine 669 with phenylalanine.
Molecular consequence: missense variant.
Genome position (GRCh38, 1-based): chr1:77,942,806, C>T. VCF-style: chr1-77942806-C-T. GRCh37 (hg19) VCF-style: chr1-78408491-C-T.
Other names: c.1813C>T, p.Leu605Phe (NM_001172309.2); short protein forms L669F, L605F.
Identifiers: ClinVar variation 424107 (VCV000424107.10), dbSNP rs774194309, ClinGen allele CA919019.

ClinVar aggregate classification (germline): Conflicting classifications of pathogenicity. Review status: criteria provided, conflicting classifications (1 of 4 stars). 4 submissions from 4 submitters: Uncertain significance (3); Likely benign (1). Last evaluated 2025-07-24.

Conditions:
Cardiovascular phenotype. Identifiers: MedGen CN230736.

Allele frequency attached by ClinVar (database versions not stated): ExAC 0.00001; gnomAD 0.00001; gnomAD exomes 0.00001; TOPMed 0.00001.
gnomAD v4.1: 14 of 1,609,362 alleles (0.00087%); highest among the groups gnomAD compares: Non-Finnish European, 0.0012%; no homozygotes.

Submissions (4):

Molecular Diagnostic Laboratory for Inherited Cardiovascular Disease, Montreal Heart Institute
Classification: Uncertain significance for Cardiovascular phenotype. Last evaluated: 2025-07-24. Review status: criteria provided, single submitter. Criteria: ACMG Guidelines, 2015. Collection method: clinical testing. Allele origin: germline. Affected: yes.
Comment: PS4_mod, PM2

Ambry Genetics
Classification: Uncertain significance for Cardiovascular phenotype. Last evaluated: 2025-01-28. Review status: criteria provided, single submitter. Criteria: Ambry Variant Classification Scheme 2023. Collection method: clinical testing. Allele origin: germline.
Comment: The p.L669F variant (also known as c.2005C>T), located in coding exon 12 of the NEXN gene, results from a C to T substitution at nucleotide position 2005. The leucine at codon 669 is replaced by phenylalanine, an amino acid with highly similar properties. This amino acid position is conserved. In addition, this alteration is predicted to be deleterious by in silico analysis. Since supporting evidence is limited at this time, the clinical significance of this alteration remains unclear.

GeneDx
Classification: Uncertain significance. Last evaluated: 2024-05-29. Review status: criteria provided, single submitter. Criteria: GeneDx Variant Classification Process June 2021. Collection method: clinical testing. Allele origin: germline. Affected: yes.
Comment: Has not been previously published as pathogenic or benign to our knowledge; Not observed at significant frequency in large population cohorts (gnomAD); In silico analysis supports that this missense variant has a deleterious effect on protein structure/function

Blueprint Genetics
Classification: Likely benign. Last evaluated: 2023-12-05. Review status: criteria provided, single submitter. Criteria: ACMG Guidelines, 2015. Collection method: clinical testing. Allele origin: germline.